The following is an entry in ClinVar:

NM_004006.3(DMD):c.9287-17082del

Gene: DMD (dystrophin; minus strand). Cytogenetic location: Xp21.2.
Variant type: Deletion.
Coding change: c.9287-17082del on transcript NM_004006.3 (MANE Select); 17082 bases into the intron before coding-DNA position 9287, one base deleted (T; older notation c.9287-17082delT).
Molecular consequence: intron variant.
Genome position (GRCh38, 1-based): chrX:31,240,203, A deleted on the plus strand (T on the coding strand, the reverse complement: DMD is on the minus strand); the first of 10 consecutive A bases (chrX:31,240,203-31,240,212); deleting any one gives the same sequence. VCF-style (leftmost placement, unchanged base first): chrX-31240202-GA-G. GRCh37 (hg19) VCF-style: chrX-31258319-GA-G.
Other names: c.9263-17082del (NM_000109.4); c.5264-17082del (NM_004011.4); c.5255-17082del (NM_004012.4); c.1907-17082del (NM_004023.3, NM_004020.4, NM_004022.3 and 2 more transcripts); c.1100-17082del (NM_004014.3); c.83-17082del (NM_004018.3, NM_004017.3, NM_004016.3 and 2 more transcripts); c.9275-17082del (NM_004009.3); c.8918-17082del (NM_004010.3).
Identifiers: ClinVar variation 4874095 (VCV004874095.2).

ClinVar aggregate classification (germline): Likely benign (1 of 4 stars; one submission).

Submission:

CeGaT Center for Human Genetics Tuebingen
Classification: Likely benign. Last evaluated: 2026-08-01. Review status: criteria provided, single submitter. Criteria: CeGaT Center For Human Genetics Tuebingen Variant Classification Criteria Version 2. Collection method: clinical testing. Allele origin: germline. Affected: yes. Observed: 3 variant alleles.
Comment: DMD: BS2